The following is an entry in ClinVar:

NM_014889.4(PITRM1):c.2440C>T (p.Arg814Cys)

Genes: PITRM1 (pitrilysin metallopeptidase 1; minus strand), PITRM1-AS1 (PITRM1 antisense RNA 1; plus strand). Cytogenetic location: 10p15.2.
Variant type: single nucleotide variant.
Coding change: c.2440C>T on transcript NM_014889.4 (MANE Select); coding-DNA position 2440, C replaced by T.
Protein change: p.Arg814Cys; replaces arginine 814 with cysteine.
Molecular consequence: missense variant. On other transcripts: non-coding transcript variant (5).
Genome position (GRCh38, 1-based): chr10:3,145,613, G>A on the plus strand (C>T on the coding strand, the complement: PITRM1 is on the minus strand). VCF-style: chr10-3145613-G-A. GRCh37 (hg19) VCF-style: chr10-3187805-G-A.
Other names: c.2443C>T (NM_001242307.1); c.2443C>T, p.Arg815Cys (NM_001242307.2); c.2146C>T, p.Arg716Cys (NM_001242309.1); c.2242C>T, p.Arg748Cys (NM_001347725.2); c.1627C>T, p.Arg543Cys (NM_001347726.2); c.1825C>T, p.Arg609Cys (NM_001347727.2); c.1135C>T, p.Arg379Cys (NM_001347728.2); c.2416C>T, p.Arg806Cys (NM_001347729.1); and 1 more; short protein forms R379C, R740C, R815C, R543C, R609C, R716C, R814C, R748C.
Identifiers: ClinVar variation 1403417 (VCV001403417.11), dbSNP rs535250510, ClinGen allele CA5387411.

ClinVar aggregate classification (germline): Conflicting classifications of pathogenicity. Review status: criteria provided, conflicting classifications (1 of 4 stars). 4 submissions from 4 submitters: Uncertain significance (3); Likely benign (1). Last evaluated 2025-12-01.

Allele frequency attached by ClinVar (database versions not stated): TOPMed 0.00002; gnomAD 0.00007 and 0.00008; gnomAD exomes 0.00008 and 0.00011; ExAC 0.00018.

Submissions (4):

CeGaT Center for Human Genetics Tuebingen
Classification: Uncertain significance. Last evaluated: 2025-12-01. Review status: criteria provided, single submitter. Criteria: CeGaT Center For Human Genetics Tuebingen Variant Classification Criteria Version 2. Collection method: clinical testing. Allele origin: germline. Affected: yes. Observed: 1 variant allele.
Comment: PITRM1: PM2, BP4

Ambry Genetics
Classification: Uncertain significance. Last evaluated: 2025-01-29. Review status: criteria provided, single submitter. Criteria: Ambry Variant Classification Scheme 2023. Collection method: clinical testing. Allele origin: germline.

Labcorp Genetics (formerly Invitae), Labcorp
Classification: Uncertain significance. Last evaluated: 2024-10-08. Review status: criteria provided, single submitter. Criteria: Invitae Variant Classification Sherloc (09022015). Collection method: clinical testing. Allele origin: germline.
Comment: This sequence change replaces arginine, which is basic and polar, with cysteine, which is neutral and slightly polar, at codon 716 of the PITRM1 protein (p.Arg716Cys). This variant is present in population databases (rs535250510, gnomAD 0.04%). This variant has not been reported in the literature in individuals affected with PITRM1-related conditions. ClinVar contains an entry for this variant (Variation ID: 1403417). An algorithm developed to predict the effect of missense changes on protein structure and function outputs the following: PolyPhen-2: "Benign". The cysteine amino acid residue is found in multiple mammalian species, which suggests that this missense change does not adversely affect protein function. In summary, the available evidence is currently insufficient to determine the role of this variant in disease. Therefore, it has been classified as a Variant of Uncertain Significance.

Blueprint Genetics
Classification: Likely benign. Last evaluated: 2024-09-03. Review status: criteria provided, single submitter. Criteria: ACMG Guidelines, 2015. Collection method: clinical testing. Allele origin: germline.